The following is an entry in ClinVar:

NM_001329943.3(KIAA0586):c.411-1462G>A

Gene: KIAA0586 (KIAA0586; plus strand). Cytogenetic location: 14q23.1.
Variant type: single nucleotide variant.
Coding change: c.411-1462G>A on transcript NM_001329943.3 (MANE Select); 1462 bases into the intron before coding-DNA position 411, G replaced by A.
Molecular consequence: intron variant. On other transcripts: nonsense (2).
Genome position (GRCh38, 1-based): chr14:58,441,244, G>A. VCF-style: chr14-58441244-G-A. GRCh37 (hg19) VCF-style: chr14-58907962-G-A.
Other names: c.156-1462G>A (NM_001364701.2, NM_001329945.2, NM_001364700.1 and 1 more transcripts); c.-10-1462G>A (NM_001244193.2); c.470G>A, p.Trp157Ter (NM_001244189.2); c.179G>A, p.Trp60Ter (NM_001244192.2); c.366-1462G>A (NM_001244190.2); c.411-1462G>A (NM_001329944.2, NM_001329946.2, NM_001329947.2 and 1 more transcripts); short protein forms W60*, W157*.
Identifiers: ClinVar variation 4785668 (VCV004785668.1).

ClinVar aggregate classification (germline): Pathogenic (1 of 4 stars; one submission).

Conditions:
Short-rib thoracic dysplasia 14 with polydactyly (SRTD14). Identifiers: Orphanet 397715, MedGen C4225286, MONDO:0014688, OMIM 616546.
Joubert syndrome 23 (JBTS23). Identifiers: Orphanet 475, MedGen C4084822, MONDO:0014664, OMIM 616490.

Submission:

Labcorp Genetics (formerly Invitae), Labcorp
Classification: Pathogenic for Joubert syndrome 23; Short-rib thoracic dysplasia 14 with polydactyly. Last evaluated: 2025-12-23. Review status: criteria provided, single submitter. Criteria: Invitae Variant Classification Sherloc (09022015). Collection method: clinical testing. Allele origin: germline.
Comment: This sequence change creates a premature translational stop signal (p.Trp157*) in the KIAA0586 gene. It is expected to result in an absent or disrupted protein product. Loss-of-function variants in KIAA0586 are known to be pathogenic (PMID: 26096313, 26166481, 26386044). This variant is not present in population databases (gnomAD no frequency). This variant has not been reported in the literature in individuals affected with KIAA0586-related conditions. For these reasons, this variant has been classified as Pathogenic.

Literature cited by the submitters: PubMed 26096313; PubMed 26166481; PubMed 26386044.